The following is an entry in ClinVar:

ClinVar aggregate classification (germline): Uncertain significance. Review status: criteria provided, multiple submitters, no conflicts (2 of 4 stars). 2 submissions from 2 submitters: Uncertain significance (2). Last evaluated 2025-07-16.

Allele frequency attached by ClinVar (database versions not stated): gnomAD exomes 0.00004; ExAC 0.00006; ESP Exome Variant Server 0.00016; gnomAD 0.00028; TOPMed 0.00029; 1000 Genomes Project 30x 0.00031.
gnomAD v4.1: 98 of 1,614,068 alleles (0.0061%); highest among the groups gnomAD compares: African/African-American, 0.1%; no homozygotes.

Submissions (2):

Labcorp Genetics (formerly Invitae), Labcorp
Classification: Uncertain significance. Last evaluated: 2025-07-16. Review status: criteria provided, single submitter. Criteria: Invitae Variant Classification Sherloc (09022015). Collection method: clinical testing. Allele origin: germline.
Comment: This sequence change replaces glutamic acid, which is acidic and polar, with lysine, which is basic and polar, at codon 1076 of the FUK protein (p.Glu1076Lys). This variant is present in population databases (rs201547486, gnomAD 0.07%), and has an allele count higher than expected for a pathogenic variant. This variant has not been reported in the literature in individuals affected with FUK-related conditions. ClinVar contains an entry for this variant (Variation ID: 2152514). An algorithm developed to predict the effect of missense changes on protein structure and function (PolyPhen-2) suggests that this variant is likely to be tolerated. In summary, the available evidence is currently insufficient to determine the role of this variant in disease. Therefore, it has been classified as a Variant of Uncertain Significance.

Ambry Genetics
Classification: Uncertain significance. Last evaluated: 2024-01-23. Review status: criteria provided, single submitter. Criteria: Ambry Variant Classification Scheme 2023. Collection method: clinical testing. Allele origin: germline.

NM_145059.3(FCSK):c.3226G>A (p.Glu1076Lys)

Gene: FCSK (fucose kinase; plus strand). Cytogenetic location: 16q22.1.
Variant type: single nucleotide variant.
Coding change: c.3226G>A on transcript NM_145059.3 (MANE Select); coding-DNA position 3226, G replaced by A.
Protein change: p.Glu1076Lys; replaces glutamic acid 1076 with lysine.
Molecular consequence: missense variant.
Genome position (GRCh38, 1-based): chr16:70,479,651, G>A. VCF-style: chr16-70479651-G-A. GRCh37 (hg19) VCF-style: chr16-70513554-G-A.
Other names: c.3226G>A (NM_145059.2); short protein forms E1076K.
Identifiers: ClinVar variation 2152514 (VCV002152514.5), dbSNP rs201547486, ClinGen allele CA8143919.